The following is an entry in ClinVar:

NM_017617.5(NOTCH1):c.4773C>G (p.His1591Gln)

Gene: NOTCH1 (notch receptor 1; minus strand). Cytogenetic location: 9q34.3.
Variant type: single nucleotide variant.
Coding change: c.4773C>G on transcript NM_017617.5 (MANE Select); coding-DNA position 4773, C replaced by G.
Protein change: p.His1591Gln; replaces histidine 1591 with glutamine.
Molecular consequence: missense variant.
Genome position (GRCh38, 1-based): chr9:136,504,918, G>C on the plus strand (C>G on the coding strand, the complement: NOTCH1 is on the minus strand). VCF-style: chr9-136504918-G-C. GRCh37 (hg19) VCF-style: chr9-139399370-G-C.
Other names: short protein forms H1591Q.
Identifiers: ClinVar variation 2848224 (VCV002848224.4), dbSNP rs1228910844, ClinGen allele CA375645063.

ClinVar aggregate classification (germline): Uncertain significance. Review status: criteria provided, multiple submitters, no conflicts (2 of 4 stars). 2 submissions from 2 submitters: Uncertain significance (2). Last evaluated 2024-09-06.

Conditions:
Adams-Oliver syndrome 5 (AOS5). Identifiers: Orphanet 974, MedGen C4014970, MONDO:0014459, OMIM 616028.
Familial thoracic aortic aneurysm and aortic dissection (TAAD). Also called: Thoracic aortic aneurysms and dissections. Identifiers: Orphanet 91387, MedGen C4707243, MONDO:0019625.

Allele frequency attached by ClinVar (database versions not stated): gnomAD exomes below 0.00001; gnomAD 0.00001.
gnomAD v4.1: 5 of 1,588,640 alleles (0.00031%); highest among the groups gnomAD compares: Non-Finnish European, 0.00043%; no homozygotes.

Submissions (2):

Centre of Medical Genetics, University of Antwerp
Classification: Uncertain significance for Familial thoracic aortic aneurysm and aortic dissection. Last evaluated: 2024-09-06. Review status: criteria provided, single submitter. Criteria: ACMG Guidelines, 2015. Collection method: clinical testing. Allele origin: germline. Affected: yes.

Labcorp Genetics (formerly Invitae), Labcorp
Classification: Uncertain significance for Adams-Oliver syndrome 5. Last evaluated: 2023-04-25. Review status: criteria provided, single submitter. Criteria: Invitae Variant Classification Sherloc (09022015). Collection method: clinical testing. Allele origin: germline.
Comment: In summary, the available evidence is currently insufficient to determine the role of this variant in disease. Therefore, it has been classified as a Variant of Uncertain Significance. Advanced modeling of protein sequence and biophysical properties (such as structural, functional, and spatial information, amino acid conservation, physicochemical variation, residue mobility, and thermodynamic stability) performed at Invitae indicates that this missense variant is not expected to disrupt NOTCH1 protein function. This variant has not been reported in the literature in individuals affected with NOTCH1-related conditions. This variant is present in population databases (no rsID available, gnomAD 0.007%). This sequence change replaces histidine, which is basic and polar, with glutamine, which is neutral and polar, at codon 1591 of the NOTCH1 protein (p.His1591Gln).